The following is an entry in ClinVar:

ClinVar aggregate classification (germline): Uncertain significance. Review status: criteria provided, multiple submitters, no conflicts (2 of 4 stars). 2 submissions from 2 submitters: Uncertain significance (2). Last evaluated 2022-05-27.

Conditions:
Spondylodysplastic Ehlers-Danlos syndrome. Identifiers: Orphanet 536471, Orphanet 75496, MedGen C5680154, MONDO:0007526.
Ehlers-Danlos syndrome, spondylodysplastic type, 1 (EDSSPD1). Also called: PDS, DEFECTIVE BIOSYNTHESIS OF; XGPT DEFICIENCY; XYLOSYLPROTEIN 4-BETA-GALACTOSYLTRANSFERASE DEFICIENCY; DERMATAN SULFATE PROTEOGLYCAN; EHLERS-DANLOS SYNDROME, PROGEROID TYPE, 1; GALACTOSYLTRANSFERASE I DEFICIENCY. Identifiers: Orphanet 75496, MedGen C4552003, MONDO:0020682, OMIM 130070.

Allele frequency attached by ClinVar (database versions not stated): ExAC 0.00001; gnomAD exomes 0.00001.
gnomAD v4.1: 5 of 1,612,524 alleles (0.00031%); highest among the groups gnomAD compares: Admixed American, 0.0033%; no homozygotes.

Submissions (2):

Fulgent Genetics
Classification: Uncertain significance for Ehlers-Danlos syndrome, spondylodysplastic type, 1. Last evaluated: 2022-05-27. Review status: criteria provided, single submitter. Criteria: ACMG Guidelines, 2015. Collection method: clinical testing. Allele origin: unknown.

Labcorp Genetics (formerly Invitae), Labcorp
Classification: Uncertain significance for Spondylodysplastic Ehlers-Danlos syndrome. Last evaluated: 2022-03-08. Review status: criteria provided, single submitter. Criteria: Invitae Variant Classification Sherloc (09022015). Collection method: clinical testing. Allele origin: germline.
Comment: Algorithms developed to predict the effect of missense changes on protein structure and function are either unavailable or do not agree on the potential impact of this missense change (SIFT: "Deleterious"; PolyPhen-2: "Possibly Damaging"; Align-GVGD: "Class C0"). In summary, the available evidence is currently insufficient to determine the role of this variant in disease. Therefore, it has been classified as a Variant of Uncertain Significance. This variant has not been reported in the literature in individuals affected with B4GALT7-related conditions. This variant is present in population databases (rs774917613, gnomAD 0.006%). This sequence change replaces serine, which is neutral and polar, with phenylalanine, which is neutral and non-polar, at codon 207 of the B4GALT7 protein (p.Ser207Phe).

NM_007255.3(B4GALT7):c.620C>T (p.Ser207Phe)

Gene: B4GALT7 (beta-1,4-galactosyltransferase 7; plus strand). Cytogenetic location: 5q35.3.
Variant type: single nucleotide variant.
Coding change: c.620C>T on transcript NM_007255.3 (MANE Select); coding-DNA position 620, C replaced by T.
Protein change: p.Ser207Phe; replaces serine 207 with phenylalanine.
Molecular consequence: missense variant.
Genome position (GRCh38, 1-based): chr5:177,607,508, C>T. VCF-style: chr5-177607508-C-T. GRCh37 (hg19) VCF-style: chr5-177034509-C-T.
Other names: short protein forms S207F.
Identifiers: ClinVar variation 1446770 (VCV001446770.7), dbSNP rs774917613, ClinGen allele CA3586547.